The following is an entry in ClinVar:

NM_000352.6(ABCC8):c.4606G>A (p.Ala1536Thr)

Gene: ABCC8 (ATP binding cassette subfamily C member 8; minus strand). Cytogenetic location: 11p15.1.
Variant type: single nucleotide variant.
Coding change: c.4606G>A on transcript NM_000352.6 (MANE Select); coding-DNA position 4606, G replaced by A.
Protein change: p.Ala1536Thr; replaces alanine 1536 with threonine.
Molecular consequence: missense variant. On other transcripts: non-coding transcript variant (1).
Genome position (GRCh38, 1-based): chr11:17,393,699, C>T on the plus strand (G>A on the coding strand, the complement: ABCC8 is on the minus strand). VCF-style: chr11-17393699-C-T. GRCh37 (hg19) VCF-style: chr11-17415246-C-T.
Other names: c.4609G>A, p.Ala1537Thr (NM_001287174.3); c.4672G>A, p.Ala1558Thr (NM_001351295.2); c.4606G>A, p.Ala1536Thr (NM_001351296.2); c.4603G>A, p.Ala1535Thr (NM_001351297.2); short protein forms A1536T, A1535T, A1558T, A1537T.
Identifiers: ClinVar variation 2884032 (VCV002884032.1), dbSNP rs772332005, ClinGen allele CA5902422.

ClinVar aggregate classification (germline): Uncertain significance (1 of 4 stars; one submission).

Allele frequency attached by ClinVar (database versions not stated): ExAC 0.00001.
gnomAD v4.1: 5 of 1,614,228 alleles (0.00031%); highest among the groups gnomAD compares: South Asian, 0.0022%; no homozygotes.

Submission:

Labcorp Genetics (formerly Invitae), Labcorp
Classification: Uncertain significance. Last evaluated: 2023-12-10. Review status: criteria provided, single submitter. Criteria: Invitae Variant Classification Sherloc (09022015). Collection method: clinical testing. Allele origin: germline.
Comment: This sequence change replaces alanine, which is neutral and non-polar, with threonine, which is neutral and polar, at codon 1536 of the ABCC8 protein (p.Ala1536Thr). This variant is present in population databases (rs772332005, gnomAD 0.006%). This missense change has been observed in individual(s) with ABCC8-related conditions (PMID: 30656436). An algorithm developed to predict the effect of missense changes on protein structure and function (PolyPhen-2) suggests that this variant¬†is likely to be tolerated. In summary, the available evidence is currently insufficient to determine the role of this variant in disease. Therefore, it has been classified as a Variant of Uncertain Significance.

Literature cited by the submitters: PubMed 30656436.